The following is an entry in ClinVar:

NM_133372.3(FNIP1):c.518G>A (p.Gly173Glu)

Gene: FNIP1 (folliculin interacting protein 1; minus strand). Cytogenetic location: 5q31.1.
Variant type: single nucleotide variant.
Coding change: c.518G>A on transcript NM_133372.3 (MANE Select); coding-DNA position 518, G replaced by A.
Protein change: p.Gly173Glu; replaces glycine 173 with glutamic acid.
Molecular consequence: missense variant.
Genome position (GRCh38, 1-based): chr5:131,718,998, C>T on the plus strand (G>A on the coding strand, the complement: FNIP1 is on the minus strand). VCF-style: chr5-131718998-C-T. GRCh37 (hg19) VCF-style: chr5-131054691-C-T.
Other names: c.518G>A, p.Gly173Glu (NM_001008738.3, NM_001346113.2); c.383G>A, p.Gly128Glu (NM_001346114.2); short protein forms G128E, G173E.
Identifiers: ClinVar variation 2053457 (VCV002053457.2), dbSNP rs143334697, ClinGen allele CA3400919.

ClinVar aggregate classification (germline): Uncertain significance (1 of 4 stars; one submission).

Allele frequency attached by ClinVar (database versions not stated): ExAC 0.00007; gnomAD exomes 0.00012; 1000 Genomes Project 30x 0.00016; gnomAD 0.00017; 1000 Genomes Project 0.00020; TOPMed 0.00027; ESP Exome Variant Server 0.00046.
gnomAD v4.1: 214 of 1,613,160 alleles (0.013%); highest among the groups gnomAD compares: African/African-American, 0.047%; 1 homozygote.

Submissions (2):

Labcorp Genetics (formerly Invitae), Labcorp
Classification: Uncertain significance. Last evaluated: 2022-07-29. Review status: criteria provided, single submitter. Criteria: Invitae Variant Classification Sherloc (09022015). Collection method: clinical testing. Allele origin: germline.
Comment: This sequence change replaces glycine, which is neutral and non-polar, with glutamic acid, which is acidic and polar, at codon 173 of the FNIP1 protein (p.Gly173Glu). This variant is present in population databases (rs143334697, gnomAD 0.04%). This variant has not been reported in the literature in individuals affected with FNIP1-related conditions. Algorithms developed to predict the effect of missense changes on protein structure and function are either unavailable or do not agree on the potential impact of this missense change (SIFT: "Deleterious"; PolyPhen-2: "Probably Damaging"; Align-GVGD: "Class C0"). In summary, the available evidence is currently insufficient to determine the role of this variant in disease. Therefore, it has been classified as a Variant of Uncertain Significance.

Dr. Peter K. Rogan Lab, Western University
No classification provided (evidence only). Condition: Familial cancer of breast. Review status: no classification provided. Collection method: in vitro. Allele origin: not applicable. Functional consequence: retained intron. Not counted in ClinVar's aggregate classification.